The following is an entry in ClinVar:

NM_001385012.1(NBEA):c.589C>T (p.Leu197Phe)

Gene: NBEA (neurobeachin; plus strand). Cytogenetic location: 13q13.3.
Variant type: single nucleotide variant.
Coding change: c.589C>T on transcript NM_001385012.1 (MANE Select); coding-DNA position 589, C replaced by T.
Protein change: p.Leu197Phe; replaces leucine 197 with phenylalanine.
Molecular consequence: missense variant.
Genome position (GRCh38, 1-based): chr13:35,045,009, C>T. VCF-style: chr13-35045009-C-T. GRCh37 (hg19) VCF-style: chr13-35619146-C-T.
Other names: c.589C>T, p.Leu197Phe (NM_001379245.1, NM_015678.5); short protein forms L197F.
Identifiers: ClinVar variation 3392789 (VCV003392789.1).

ClinVar aggregate classification (germline): Uncertain significance (1 of 4 stars; one submission).

gnomAD v4.1: 2 of 1,611,688 alleles (0.00012%); highest among the groups gnomAD compares: Middle Eastern, 0.017%; no homozygotes.

Submission:

GeneDx
Classification: Uncertain significance. Last evaluated: 2024-06-24. Review status: criteria provided, single submitter. Criteria: GeneDx Variant Classification Process June 2021. Collection method: clinical testing. Allele origin: germline. Affected: yes.
Comment: Not observed at significant frequency in large population cohorts (gnomAD); In silico analysis supports that this missense variant has a deleterious effect on protein structure/function; Has not been previously published as pathogenic or benign to our knowledge.